The following is an entry in ClinVar:

ClinVar aggregate classification (germline): Likely pathogenic (1 of 4 stars; one submission).

Submission:

GeneDx
Classification: Likely pathogenic. Last evaluated: 2012-11-28. Review status: criteria provided, single submitter. Criteria: GeneDx Variant Classification (06012015). Collection method: clinical testing. Allele origin: germline. Affected: yes.
Comment: c.43940delC: p.Pro14647LeufsX3 (P14647LfsX3) in exon 211 of the TTN gene (NM_001256850.1). The normal sequence with the base that is deleted in braces is: GAAC{C}TAAA. The c.43940delC variant in the TTN gene has not been reported previously as pathogenic nor as a benign polymorphism, to our knowledge. c.43940delC causes a shift in reading frame starting at codon Proline 14647, changing it to a Leucine, and creating a premature stop codon at position 3 of the new reading frame, denoted p.Pro14647LeufsX3. This variant is expected to result in either an abnormal, truncated protein product or loss of protein from this allele through nonsense-mediated mRNA decay. c.43940delC is located in the A-band region of titin, where the majority of truncating variants associated with DCM have been reported (Herman D et al., 2012). In summary, while the c.43940delC variant in the TTN gene is likely a pathogenic variant, the possibility it is a rare benign variant cannot be excluded.

NM_001267550.2(TTN):c.48863del (p.Pro16288fs)

Genes: TTN (titin; minus strand), TTN-AS1 (TTN antisense RNA 1; plus strand), LOC126806426 (BRD4-independent group 4 enhancer GRCh37_chr2:179478848-179480047; plus strand). Cytogenetic location: 2q31.2.
Variant type: Deletion.
Coding change: c.48863del on transcript NM_001267550.2 (MANE Select); coding-DNA position 48863, one base deleted (C; older notation c.48863delC).
Protein change: p.Pro16288fs; shifts the reading frame from proline 16288.
Molecular consequence: frameshift variant. On other transcripts: non-coding transcript variant (1).
Genome position (GRCh38, 1-based): chr2:178,614,651, G deleted on the plus strand (C on the coding strand, the reverse complement: TTN is on the minus strand); the first of 2 consecutive G bases (chr2:178,614,651-178,614,652); deleting either gives the same sequence. VCF-style (leftmost placement, unchanged base first): chr2-178614650-AG-A. GRCh37 (hg19) VCF-style: chr2-179479377-AG-A.
Other names: P14647L fsX3; c.48863del (LRG_391t1); c.43940delC (NM_001256850.1); c.43940del, p.Pro14647fs (NM_001256850.1); c.21668del, p.Pro7223fs (NM_003319.4); c.41159del, p.Pro13720fs (NM_133378.4); c.22043del, p.Pro7348fs (NM_133432.3); c.22244del, p.Pro7415fs (NM_133437.4); short protein forms P7348fs, P13720fs, P14647fs, P16288fs, P7415fs, P7223fs.
Identifiers: ClinVar variation 202447 (VCV000202447.2), dbSNP rs794729320, ClinGen allele CA309407.